The following is an entry in ClinVar:

NM_004519.4(KCNQ3):c.938C>G (p.Thr313Arg)

Gene: KCNQ3 (potassium voltage-gated channel subfamily Q member 3; minus strand). Cytogenetic location: 8q24.22.
Variant type: single nucleotide variant.
Coding change: c.938C>G on transcript NM_004519.4 (MANE Select); coding-DNA position 938, C replaced by G.
Protein change: p.Thr313Arg; replaces threonine 313 with arginine.
Molecular consequence: missense variant.
Genome position (GRCh38, 1-based): chr8:132,174,345, G>C on the plus strand (C>G on the coding strand, the complement: KCNQ3 is on the minus strand). VCF-style: chr8-132174345-G-C. GRCh37 (hg19) VCF-style: chr8-133186592-G-C.
Other names: c.578C>G, p.Thr193Arg (NM_001204824.2); short protein forms T193R, T313R.
Identifiers: ClinVar variation 1714863 (VCV001714863.5), dbSNP rs1826478037, ClinGen allele CA372290268.

ClinVar aggregate classification (germline): Uncertain significance (1 of 4 stars; one submission).

Conditions:
Benign neonatal seizures. Also called: Benign neonatal familial convulsions; Convulsions benign familial neonatal dominant form; Autosomal dominant form of benign neonatal seizures; Benign familial neonatal epilepsy; Benign familial neonatal seizures. Identifiers: Orphanet 1949, MedGen C0220669, MONDO:0016027.

Submission:

Labcorp Genetics (formerly Invitae), Labcorp
Classification: Uncertain significance for Benign neonatal seizures. Last evaluated: 2022-08-03. Review status: criteria provided, single submitter. Criteria: Invitae Variant Classification Sherloc (09022015). Collection method: clinical testing. Allele origin: germline.
Comment: In summary, the available evidence is currently insufficient to determine the role of this variant in disease. Therefore, it has been classified as a Variant of Uncertain Significance. Algorithms developed to predict the effect of sequence changes on RNA splicing suggest that this variant may create or strengthen a splice site. Advanced modeling of protein sequence and biophysical properties (such as structural, functional, and spatial information, amino acid conservation, physicochemical variation, residue mobility, and thermodynamic stability) performed at Invitae indicates that this missense variant is expected to disrupt KCNQ3 protein function. This variant has not been reported in the literature in individuals affected with KCNQ3-related conditions. This variant is not present in population databases (gnomAD no frequency). This sequence change replaces threonine, which is neutral and polar, with arginine, which is basic and polar, at codon 313 of the KCNQ3 protein (p.Thr313Arg).